The following is an entry in ClinVar:

ClinVar aggregate classification (germline): Uncertain significance. Review status: criteria provided, multiple submitters, no conflicts (2 of 4 stars). 2 submissions from 2 submitters: Uncertain significance (2). Last evaluated 2025-02-16.

Conditions:
Hereditary cancer-predisposing syndrome. Also called: Tumor predisposition; Neoplastic Syndromes, Hereditary; Hereditary neoplastic syndrome; Hereditary Cancer Syndrome. Identifiers: Orphanet 140162, MedGen C0027672, MeSH D009386, MONDO:0015356.
Parathyroid carcinoma (PRTC). Also called: CDC73-Related Parathyroid Carcinoma; Parathyroid gland carcinoma. Identifiers: Orphanet 143, MedGen C0687150, MONDO:0012004, OMIM 608266, HP:0006780.

Allele frequency attached by ClinVar (database versions not stated): gnomAD exomes below 0.00001; ExAC 0.00001.
gnomAD v4.1: 1 of 1,614,174 alleles (0.000062%); highest among the groups gnomAD compares: Admixed American, 0.0017%; no homozygotes.

Submissions (2):

Ambry Genetics
Classification: Uncertain significance for Hereditary cancer-predisposing syndrome. Last evaluated: 2025-02-16. Review status: criteria provided, single submitter. Criteria: Ambry Variant Classification Scheme 2023. Collection method: clinical testing. Allele origin: germline.
Comment: The p.I13V variant (also known as c.37A>G), located in coding exon 1 of the CDC73 gene, results from an A to G substitution at nucleotide position 37. The isoleucine at codon 13 is replaced by valine, an amino acid with highly similar properties. This amino acid position is conserved. In addition, this alteration is predicted to be tolerated by in silico analysis. Based on the available evidence, the clinical significance of this variant remains unclear.

Labcorp Genetics (formerly Invitae), Labcorp
Classification: Uncertain significance for Parathyroid carcinoma. Last evaluated: 2024-07-22. Review status: criteria provided, single submitter. Criteria: Invitae Variant Classification Sherloc (09022015). Collection method: clinical testing. Allele origin: germline.
Comment: This sequence change replaces isoleucine, which is neutral and non-polar, with valine, which is neutral and non-polar, at codon 13 of the CDC73 protein (p.Ile13Val). This variant is present in population databases (rs762220544, gnomAD 0.003%). This variant has not been reported in the literature in individuals affected with CDC73-related conditions. ClinVar contains an entry for this variant (Variation ID: 1016680). Advanced modeling of protein sequence and biophysical properties (such as structural, functional, and spatial information, amino acid conservation, physicochemical variation, residue mobility, and thermodynamic stability) performed at Invitae indicates that this missense variant is not expected to disrupt CDC73 protein function with a negative predictive value of 80%. In summary, the available evidence is currently insufficient to determine the role of this variant in disease. Therefore, it has been classified as a Variant of Uncertain Significance.

NM_024529.5(CDC73):c.37A>G (p.Ile13Val)

Gene: CDC73 (cell division cycle 73; plus strand). Cytogenetic location: 1q31.2.
Variant type: single nucleotide variant.
Coding change: c.37A>G on transcript NM_024529.5 (MANE Select); coding-DNA position 37, A replaced by G.
Protein change: p.Ile13Val; replaces isoleucine 13 with valine.
Molecular consequence: missense variant.
Genome position (GRCh38, 1-based): chr1:193,122,237, A>G. VCF-style: chr1-193122237-A-G. GRCh37 (hg19) VCF-style: chr1-193091367-A-G.
Other names: c.37A>G (NM_024529.4); short protein forms I13V.
Identifiers: ClinVar variation 1016680 (VCV001016680.8), dbSNP rs762220544, ClinGen allele CA1303247.